The following is an entry in ClinVar:

ClinVar aggregate classification (germline): Pathogenic (1 of 4 stars; one submission).

Conditions:
Fanconi anemia (FA). Also called: Fanconi's anemia. Identifiers: Orphanet 84, MedGen C0015625, MeSH D005199, MONDO:0019391.

Submission:

Labcorp Genetics (formerly Invitae), Labcorp
Classification: Pathogenic for Fanconi anemia. Last evaluated: 2023-06-09. Review status: criteria provided, single submitter. Criteria: Invitae Variant Classification Sherloc (09022015). Collection method: clinical testing. Allele origin: germline.
Comment: This variant is present in population databases (no rsID available, gnomAD 0.0009%). This sequence change creates a premature translational stop signal (p.His272Cysfs*12) in the FANCL gene. It is expected to result in an absent or disrupted protein product. Loss-of-function variants in FANCL are known to be pathogenic (PMID: 19405097, 23613520). This variant has not been reported in the literature in individuals affected with FANCL-related conditions. For these reasons, this variant has been classified as Pathogenic. Algorithms developed to predict the effect of sequence changes on RNA splicing suggest that this variant may disrupt the consensus splice site.

Literature cited by the submitters: PubMed 19405097; PubMed 23613520.

NM_018062.4(FANCL):c.813_816del (p.His272fs)

Gene: FANCL (FA complementation group L; minus strand). Cytogenetic location: 2p16.1.
Variant type: Microsatellite.
Coding change: c.813_816del on transcript NM_018062.4 (MANE Select); coding-DNA positions 813 to 816, 4 bases deleted (ACAT; older notation c.813_816delACAT).
Protein change: p.His272fs; shifts the reading frame from histidine 272.
Molecular consequence: frameshift variant.
Genome position (GRCh38, 1-based): chr2:58,163,034-58,163,037, ATGT deleted on the plus strand (ACAT on the coding strand, the reverse complement: FANCL is on the minus strand); deleting any 4 consecutive bases within chr2:58,163,034-58,163,041 gives the same sequence; the c. name uses the placement nearest the transcript's 3' end. VCF-style (leftmost placement, unchanged base first): chr2-58163033-AATGT-A. GRCh37 (hg19) VCF-style: chr2-58390168-AATGT-A.
Other names: c.824_827ACAT[1], p.His277Cysfs (NM_001114636.2); c.858_861del, p.His287fs (NM_001374615.1); c.873_876del, p.His292fs (NM_001410792.1); short protein forms H272fs, H277fs, H287fs, H292fs.
Identifiers: ClinVar variation 1071534 (VCV001071534.7), dbSNP rs1558735946, ClinGen allele CA532805010.